The following is an entry in ClinVar:

ClinVar aggregate classification (germline): Uncertain significance (1 of 4 stars; one submission).

Conditions:
Charcot-Marie-Tooth disease type 4. Also called: Charcot-Marie-Tooth disease, type IV; Charcot-Marie-Tooth, Type 4. Identifiers: Orphanet 64749, MedGen C4082197, MONDO:0018995.

Allele frequency attached by ClinVar (database versions not stated): TOPMed below 0.00001.

Submission:

Labcorp Genetics (formerly Invitae), Labcorp
Classification: Uncertain significance for Charcot-Marie-Tooth disease type 4. Last evaluated: 2022-06-13. Review status: criteria provided, single submitter. Criteria: Invitae Variant Classification Sherloc (09022015). Collection method: clinical testing. Allele origin: germline.
Comment: Algorithms developed to predict the effect of sequence changes on RNA splicing suggest that this variant may create or strengthen a splice site. In summary, the available evidence is currently insufficient to determine the role of this variant in disease. Therefore, it has been classified as a Variant of Uncertain Significance. Algorithms developed to predict the effect of missense changes on protein structure and function (SIFT, PolyPhen-2, Align-GVGD) all suggest that this variant is likely to be tolerated. ClinVar contains an entry for this variant (Variation ID: 1062641). This variant has not been reported in the literature in individuals affected with FGD4-related conditions. This variant is not present in population databases (gnomAD no frequency). This sequence change replaces histidine, which is basic and polar, with tyrosine, which is neutral and polar, at codon 757 of the FGD4 protein (p.His757Tyr).

NM_001370298.3(FGD4):c.2680C>T (p.His894Tyr)

Gene: FGD4 (FYVE, RhoGEF and PH domain containing 4; plus strand). Cytogenetic location: 12p11.21.
Variant type: single nucleotide variant.
Coding change: c.2680C>T on transcript NM_001370298.3 (MANE Select); coding-DNA position 2680, C replaced by T.
Protein change: p.His894Tyr; replaces histidine 894 with tyrosine.
Molecular consequence: missense variant. On other transcripts: intron variant (3).
Genome position (GRCh38, 1-based): chr12:32,640,501, C>T. VCF-style: chr12-32640501-C-T. GRCh37 (hg19) VCF-style: chr12-32793435-C-T.
Other names: c.2524C>T, p.His842Tyr (NM_001304481.2); c.1237C>T, p.His413Tyr (NM_001304484.2); c.1990C>T, p.His664Tyr (NM_001330373.2, NM_001330374.2, NM_001384130.1); c.1717C>T, p.His573Tyr (NM_001370297.1); c.2269C>T, p.His757Tyr (NM_001385118.1, NM_139241.3); c.2632+48C>T (NM_001384126.1); c.2221+48C>T (NM_001384127.1, NM_001384128.1); short protein forms H413Y, H573Y, H664Y, H757Y, H842Y, H894Y.
Identifiers: ClinVar variation 1062641 (VCV001062641.9), dbSNP rs1161666501, ClinGen allele CA384372919.